The following is an entry in ClinVar:

ClinVar aggregate classification (germline): Uncertain significance (1 of 4 stars; one submission).

Conditions:
Leber congenital amaurosis 8 (LCA8). Identifiers: Orphanet 65, MedGen C3151202, MONDO:0013453, OMIM 613835.
Retinitis pigmentosa 12 (RP12). Also called: RP WITH OR WITHOUT PPRPE; RP WITH OR WITHOUT PRESERVED PARAARTERIOLE RETINAL PIGMENT EPITHELIUM; RETINITIS PIGMENTOSA WITH OR WITHOUT PARAARTERIOLAR PRESERVATION OF RETINAL PIGMENT EPITHELIUM. Identifiers: Orphanet 791, MedGen C1838647, MONDO:0010818, OMIM 600105.

Submission:

Labcorp Genetics (formerly Invitae), Labcorp
Classification: Uncertain significance for Leber congenital amaurosis 8; Retinitis pigmentosa 12. Last evaluated: 2023-06-30. Review status: criteria provided, single submitter. Criteria: Invitae Variant Classification Sherloc (09022015). Collection method: clinical testing. Allele origin: germline.
Comment: In summary, the available evidence is currently insufficient to determine the role of this variant in disease. Therefore, it has been classified as a Variant of Uncertain Significance. Advanced modeling of protein sequence and biophysical properties (such as structural, functional, and spatial information, amino acid conservation, physicochemical variation, residue mobility, and thermodynamic stability) performed at Invitae indicates that this missense variant is expected to disrupt CRB1 protein function. ClinVar contains an entry for this variant (Variation ID: 1346996). This missense change has been observed in individual(s) with CRB1-related conditions (Invitae). This variant is not present in population databases (gnomAD no frequency). This sequence change replaces leucine, which is neutral and non-polar, with phenylalanine, which is neutral and non-polar, at codon 580 of the CRB1 protein (p.Leu580Phe).

NM_201253.3(CRB1):c.1738C>T (p.Leu580Phe)

Gene: CRB1 (crumbs cell polarity complex component 1; plus strand). Cytogenetic location: 1q31.3.
Variant type: single nucleotide variant.
Coding change: c.1738C>T on transcript NM_201253.3 (MANE Select); coding-DNA position 1738, C replaced by T.
Protein change: p.Leu580Phe; replaces leucine 580 with phenylalanine.
Molecular consequence: missense variant. On other transcripts: non-coding transcript variant (1).
Genome position (GRCh38, 1-based): chr1:197,421,566, C>T. VCF-style: chr1-197421566-C-T. GRCh37 (hg19) VCF-style: chr1-197390696-C-T.
Other names: c.1402C>T, p.Leu468Phe (NM_001193640.2); c.1531C>T, p.Leu511Phe (NM_001257965.2); c.1738C>T, p.Leu580Phe (NM_001257966.2); short protein forms L468F, L511F, L580F.
Identifiers: ClinVar variation 1346996 (VCV001346996.6), dbSNP rs761775378, ClinGen allele CA344032379.